The following is an entry in ClinVar:

ClinVar aggregate classification (germline): Uncertain significance (1 of 4 stars; one submission).

Conditions:
Glutaric aciduria, type 1. Also called: GA I; Glutaricacidemia Type 1; Glutaryl-CoA dehydrogenase deficiency; Glutaric acidemia type I; Glutaricaciduria, type I; Glutaric Acidemia Type 1. Identifiers: Orphanet 25, MedGen C0268595, MONDO:0009281, OMIM 231670.

Submission:

Myriad Genetics, Inc.
Classification: Uncertain significance for Glutaric aciduria, type 1. Last evaluated: 2026-03-10. Review status: criteria provided, single submitter. Criteria: Myriad Autosomal Dominant, Autosomal Recessive and X-Linked Classification Criteria (2023). Collection method: clinical testing. Allele origin: unknown.
Comment: NM_000159.2(GCDH):c.636-10_642dup17 is a variant in a canonical splice site classified as a variant of uncertain significance in the context of glutaric acidemia, GCDH-related. c.636-10_642dup17 has been observed in a case with relevant disease (PMID: 25721963). Relevant functional assessments of this variant are not available in the literature. c.636-10_642dup17 has not been observed in referenced population frequency databases. In summary, there is insufficient evidence to classify NM_000159.2(GCDH):c.636-10_642dup17 as pathogenic or benign. Please note: this variant was assessed in the context of healthy population screening.

Literature cited by the submitters: PubMed 25721963.

NM_000159.4(GCDH):c.636-10_642dup

Gene: GCDH (glutaryl-CoA dehydrogenase; plus strand). Cytogenetic location: 19p13.13.
Variant type: Duplication.
Coding change: c.636-10_642dup on transcript NM_000159.4 (MANE Select); 10 bases into the intron before coding-DNA position 636 through coding-DNA position 642, 17 bases duplicated (CCATCCCCAGGATCACG).
Molecular consequence: splice acceptor variant.
Genome position (GRCh38, 1-based): chr19:12,896,195-12,896,211, CCATCCCCAGGATCACG duplicated. VCF-style (leftmost placement, unchanged base first): chr19-12896194-T-TCCATCCCCAGGATCACG. GRCh37 (hg19) VCF-style: chr19-13007008-T-TCCATCCCCAGGATCACG.
Other names: c.636-10_642dup (NM_013976.5).
Identifiers: ClinVar variation 5003324 (VCV005003324.1).